The following is an entry in ClinVar:

NM_000383.4(AIRE):c.149A>G (p.Lys50Arg)

Gene: AIRE (autoimmune regulator; plus strand). Cytogenetic location: 21q22.3.
Variant type: single nucleotide variant.
Coding change: c.149A>G on transcript NM_000383.4 (MANE Select); coding-DNA position 149, A replaced by G.
Protein change: p.Lys50Arg; replaces lysine 50 with arginine.
Molecular consequence: missense variant.
Genome position (GRCh38, 1-based): chr21:44,286,573, A>G. VCF-style: chr21-44286573-A-G. GRCh37 (hg19) VCF-style: chr21-45706456-A-G.
Other names: short protein forms K50R.
Identifiers: ClinVar variation 2122790 (VCV002122790.1), dbSNP rs2040484195, ClinGen allele CA410423230.
Genomic context (GRCh38, chr21:44,286,573, plus strand): 5'-GTGTGGGGGACCATGGCAGGGACCCTCATGCCACCCCACTGCAGGAGACGCTTCATCTGA[A>G]GGAAAAGGAGGGCTGCCCCCAGGCCTTCCACGCCCTCCTGTCCTGGCTGCTGACCCAGGA-3'
Protein context (NP_000374.1, residues 40-60): EDKFQETLHL[Lys50Arg]EKEGCPQAFH

ClinVar aggregate classification (germline): Uncertain significance (1 of 4 stars; one submission).

Conditions:
Polyglandular autoimmune syndrome, type 1 (APS1). Also called: APS I; Autoimmune polyendocrine syndrome type 1; Whitaker syndrome; HYPOADRENOCORTICISM WITH HYPOPARATHYROIDISM AND SUPERFICIAL MONILIASIS; Autoimmune polyendocrinopathy syndrome, type I; AUTOIMMUNE POLYENDOCRINE SYNDROME, TYPE I, WITH OR WITHOUT REVERSIBLE METAPHYSEAL DYSPLASIA. Identifiers: Orphanet 3453, MedGen C0085859, MONDO:0009411, OMIM 240300.

Allele frequency attached by ClinVar (database versions not stated): gnomAD exomes 0.00001.

Submission:

Labcorp Genetics (formerly Invitae), Labcorp
Classification: Uncertain significance for Polyglandular autoimmune syndrome, type 1. Last evaluated: 2022-05-06. Review status: criteria provided, single submitter. Criteria: Invitae Variant Classification Sherloc (09022015). Collection method: clinical testing. Allele origin: germline.
Comment: This sequence change replaces lysine, which is basic and polar, with arginine, which is basic and polar, at codon 50 of the AIRE protein (p.Lys50Arg). This variant is not present in population databases (gnomAD no frequency). This variant has not been reported in the literature in individuals affected with AIRE-related conditions. Algorithms developed to predict the effect of missense changes on protein structure and function output the following: SIFT: "Tolerated"; PolyPhen-2: "Benign"; Align-GVGD: "Class C0". The arginine amino acid residue is found in multiple mammalian species, which suggests that this missense change does not adversely affect protein function. In summary, the available evidence is currently insufficient to determine the role of this variant in disease. Therefore, it has been classified as a Variant of Uncertain Significance.